The following is an entry in ClinVar:

NM_012301.4(MAGI2):c.4264_4297del (p.Ala1422fs)

Gene: MAGI2 (membrane associated guanylate kinase, WW and PDZ domain containing 2; minus strand). Cytogenetic location: 7q21.11.
Variant type: Deletion.
Coding change: c.4264_4297del on transcript NM_012301.4 (MANE Select); coding-DNA positions 4264 to 4297, 34 bases deleted.
Protein change: p.Ala1422fs; shifts the reading frame from alanine 1422.
Molecular consequence: frameshift variant.
Genome position (GRCh38, 1-based): chr7:78,019,386-78,019,419, 34 bases deleted; deleting any 34 consecutive bases within chr7:78,019,386-78,019,424 gives the same sequence; the c. name uses the placement nearest the transcript's 3' end. GRCh37 (hg19): chr7:77,648,708-77,648,741.
Other names: c.4222_4255del, p.Ala1408fs (NM_001301128.2); short protein forms A1408fs, A1422fs.
Identifiers: ClinVar variation 1687346 (VCV001687346.1), dbSNP rs1808058702, ClinGen allele CA1719118704.

ClinVar aggregate classification (germline): Uncertain significance (1 of 4 stars; one submission).

Conditions:
Nephrotic syndrome 15. Identifiers: MedGen C4539896, MONDO:0033262, OMIM 617609.

Submission:

3billion
Classification: Uncertain significance for Nephrotic syndrome 15. Last evaluated: 2022-05-22. Review status: criteria provided, single submitter. Criteria: ACMG Guidelines, 2015. Collection method: clinical testing. Allele origin: germline. Affected: yes. Observed: 1 homozygote.
Comment: The variant is not observed in the gnomAD v2.1.1 dataset. Frameshift: predicted to result in a loss or disruption of normal protein function through protein truncation. The predicted truncated protein may be shortened by less than 10%. Therefore, this variant is classified as uncertain significanceaccording to the recommendation of ACMG/AMP guideline.